The following is an entry in ClinVar:

ClinVar aggregate classification (germline): Conflicting classifications of pathogenicity. Review status: criteria provided, conflicting classifications (1 of 4 stars). 5 submissions from 5 submitters: Uncertain significance (3); Likely benign (2). Last evaluated 2025-09-03.

Conditions:
Arrhythmogenic right ventricular dysplasia 2. Identifiers: MedGen C1832931.
Ventricular arrhythmias due to cardiac ryanodine receptor calcium release deficiency syndrome. Also called: Autosomal dominant cardiac arrhythmia (Kuhn). Identifiers: MedGen C5542154, MONDO:0020745, OMIM 115000.
Catecholaminergic polymorphic ventricular tachycardia 1. Also called: VENTRICULAR TACHYCARDIA, STRESS-INDUCED POLYMORPHIC 1; RYR2-Related Catecholaminergic Polymorphic Ventricular Tachycardia; VENTRICULAR TACHYCARDIA, CATECHOLAMINERGIC POLYMORPHIC, 1, WITH OR WITHOUT ATRIAL DYSFUNCTION AND/OR DILATED CARDIOMYOPATHY. Identifiers: Orphanet 3286, MedGen C1631597, MONDO:0011484, OMIM 604772.
Catecholaminergic polymorphic ventricular tachycardia (CVPT). Also called: Catecholamine-induced polymorphic ventricular tachycardia. Identifiers: Orphanet 3286, MedGen C5574922, MONDO:0017990.
Cardiomyopathy (CMYO). Also called: Cardiomyopathies. Identifiers: Orphanet 167848, MedGen C0878544, MONDO:0004994, HP:0001638. Inheritance: Various modes of inheritance.
Cardiovascular phenotype. Identifiers: MedGen CN230736.

Allele frequency attached by ClinVar (database versions not stated): TOPMed below 0.00001; gnomAD exomes 0.00001 and 0.00002.
gnomAD v4.1: 4 of 1,603,608 alleles (0.00025%); highest among the groups gnomAD compares: Admixed American, 0.0068%; no homozygotes.

Submissions (5):

Labcorp Genetics (formerly Invitae), Labcorp
Classification: Likely benign for Catecholaminergic polymorphic ventricular tachycardia 1. Last evaluated: 2025-09-03. Review status: criteria provided, single submitter. Criteria: Invitae Variant Classification Sherloc (09022015). Collection method: clinical testing. Allele origin: germline.

Ambry Genetics
Classification: Uncertain significance for Cardiovascular phenotype. Last evaluated: 2025-04-22. Review status: criteria provided, single submitter. Criteria: Ambry Variant Classification Scheme 2023. Collection method: clinical testing. Allele origin: germline.
Comment: The p.E1891K variant (also known as c.5671G>A), located in coding exon 37 of the RYR2 gene, results from a G to A substitution at nucleotide position 5671. The glutamic acid at codon 1891 is replaced by lysine, an amino acid with similar properties. This amino acid position is well conserved in available vertebrate species. In addition, this alteration is predicted to be tolerated by in silico analysis. Based on the available evidence, the clinical significance of this variant remains unclear.

Color Diagnostics, LLC DBA Color Health
Classification: Likely benign for Cardiomyopathy. Last evaluated: 2025-02-25. Review status: criteria provided, single submitter. Criteria: ACMG Guidelines, 2015. Collection method: clinical testing. Allele origin: germline.

All of Us Research Program, National Institutes of Health
Classification: Uncertain significance for Catecholaminergic polymorphic ventricular tachycardia. Last evaluated: 2024-01-11. Review status: criteria provided, single submitter. Criteria: ACMG Guidelines, 2015. Collection method: clinical testing. Allele origin: germline. Inheritance: Autosomal dominant inheritance. Observed: 2 variant alleles, 1 heterozygote, 1 homozygote.
Comment: This missense variant replaces glutamic acid with lysine at codon 1891 of the RYR2 protein. Computational prediction suggests that this variant may not impact protein structure and function (internally defined REVEL score threshold <= 0.5, PMID: 27666373). To our knowledge, functional studies have not been reported for this variant. This variant has not been reported in individuals affected with RYR2-related disorders in the literature. This variant has been identified in 4/240098 chromosomes in the general population by the Genome Aggregation Database (gnomAD). The available evidence is insufficient to determine the role of this variant in disease conclusively. Therefore, this variant is classified as a Variant of Uncertain Significance.

This study involves interpretation of variants in research participants for the purpose of population health screening. Participant phenotype was not available at the time of variant classification. Additional details can be found in publication PMID: 35346344, PMCID: PMC8962531

Fulgent Genetics
Classification: Uncertain significance for Ventricular arrhythmias due to cardiac ryanodine receptor calcium release deficiency syndrome; Catecholaminergic polymorphic ventricular tachycardia 1. Last evaluated: 2021-10-07. Review status: criteria provided, single submitter. Criteria: ACMG Guidelines, 2015. Collection method: clinical testing. Allele origin: unknown.

NM_001035.3(RYR2):c.5671G>A (p.Glu1891Lys)

Gene: RYR2 (ryanodine receptor 2; plus strand). Cytogenetic location: 1q43.
Variant type: single nucleotide variant.
Coding change: c.5671G>A on transcript NM_001035.3 (MANE Select); coding-DNA position 5671, G replaced by A.
Protein change: p.Glu1891Lys; replaces glutamic acid 1891 with lysine.
Molecular consequence: missense variant.
Genome position (GRCh38, 1-based): chr1:237,614,799, G>A. VCF-style: chr1-237614799-G-A. GRCh37 (hg19) VCF-style: chr1-237778099-G-A.
Other names: short protein forms E1891K.
Identifiers: ClinVar variation 949333 (VCV000949333.15), dbSNP rs1224597817, ClinGen allele CA345405773.
Genomic context (GRCh38, chr1:237,614,799, plus strand): 5'-GACGATGCAAAGCTGCAAGGAGCTGGTGAGGAAGAAGCCAAGGGGGGCAAGCGGCCCAAG[G>A]AAGGCCTGCTCCAAATGAAACTGCCAGAGCCAGTTAAATTGCAGGTAATCAGAACAAGAG-3'
Protein context (NP_001026.2, residues 1881-1901): EEAKGGKRPK[Glu1891Lys]GLLQMKLPEP